The following is an entry in ClinVar:

ClinVar aggregate classification (germline): Likely benign. Review status: criteria provided, multiple submitters, no conflicts (2 of 4 stars). 2 submissions from 2 submitters: Likely benign (2). Last evaluated 2026-05-01.

gnomAD v4.1: 894 of 1,588,972 alleles (0.056%); highest among the groups gnomAD compares: East Asian, 0.56%; 1 homozygote.

Submissions (2):

CeGaT Center for Human Genetics Tuebingen
Classification: Likely benign. Last evaluated: 2026-05-01. Review status: criteria provided, single submitter. Criteria: CeGaT Center For Human Genetics Tuebingen Variant Classification Criteria Version 2. Collection method: clinical testing. Allele origin: germline. Affected: yes. Observed: 1 variant allele.
Comment: COL6A2: BP4, BP7

Blueprint Genetics
Classification: Likely benign. Last evaluated: 2024-08-06. Review status: criteria provided, single submitter. Criteria: ACMG Guidelines, 2015. Collection method: clinical testing. Allele origin: germline.

NM_058174.3(COL6A2):c.2742G>A (p.Ala914=)

Gene: COL6A2 (collagen type VI alpha 2 chain; plus strand). Cytogenetic location: 21q22.3.
Variant type: single nucleotide variant.
Coding change: c.2742G>A on transcript NM_058174.3 (MANE Plus Clinical); coding-DNA position 2742, G replaced by A.
Protein change: p.Ala914=; no amino-acid change (alanine 914 retained).
Molecular consequence: synonymous variant. On other transcripts: 3 prime UTR variant (1), intron variant (1).
Genome position (GRCh38, 1-based): chr21:46,129,476, G>A. VCF-style: chr21-46129476-G-A. GRCh37 (hg19) VCF-style: chr21-47549390-G-A.
Other names: c.*548G>A (NM_058175.3); c.2462-2478G>A (NM_001849.4).
Identifiers: ClinVar variation 4872250 (VCV004872250.3).